The following is an entry in ClinVar:

NM_000748.3(CHRNB2):c.788G>A (p.Gly263Asp)

Gene: CHRNB2 (cholinergic receptor nicotinic beta 2 subunit; plus strand). Cytogenetic location: 1q21.3.
Variant type: single nucleotide variant.
Coding change: c.788G>A on transcript NM_000748.3 (MANE Select); coding-DNA position 788, G replaced by A.
Protein change: p.Gly263Asp; replaces glycine 263 with aspartic acid.
Molecular consequence: missense variant.
Genome position (GRCh38, 1-based): chr1:154,571,611, G>A. VCF-style: chr1-154571611-G-A. GRCh37 (hg19) VCF-style: chr1-154544087-G-A.
Other names: short protein forms G263D.
Identifiers: ClinVar variation 543514 (VCV000543514.10), dbSNP rs373676452, ClinGen allele CA1130783.

ClinVar aggregate classification (germline): Uncertain significance. Review status: criteria provided, multiple submitters, no conflicts (2 of 4 stars). 3 submissions from 3 submitters: Uncertain significance (3). Last evaluated 2026-05-07.

Conditions:
Inborn genetic diseases. Identifiers: MedGen C0950123, MeSH D030342.
Familial sleep-related hypermotor epilepsy. Also called: Autosomal Dominant Sleep-Related Hypermotor (Hyperkinetic) Epilepsy. Identifiers: Orphanet 98784, MedGen C3696898, MONDO:0000030.

Allele frequency attached by ClinVar (database versions not stated): gnomAD exomes below 0.00001; ExAC 0.00001; gnomAD 0.00001; TOPMed 0.00001; ESP Exome Variant Server 0.00008.

Submissions (3):

Ambry Genetics
Classification: Uncertain significance for Inborn genetic diseases. Last evaluated: 2026-05-07. Review status: criteria provided, single submitter. Criteria: Ambry Variant Classification Scheme 2023. Collection method: clinical testing. Allele origin: germline.

GeneDx
Classification: Uncertain significance. Last evaluated: 2026-03-16. Review status: criteria provided, single submitter. Criteria: GeneDx Variant Classification Process June 2021. Collection method: clinical testing. Allele origin: germline.
Comment: Not observed at significant frequency in large population cohorts (gnomAD); In silico analysis supports that this missense variant has a deleterious effect on protein structure/function; Has not been previously published as pathogenic or benign to our knowledge; This variant is associated with the following publications: (PMID: 29273096)

Labcorp Genetics (formerly Invitae), Labcorp
Classification: Uncertain significance. Last evaluated: 2017-12-13. Review status: criteria provided, single submitter. Criteria: Invitae Variant Classification Sherloc (09022015). Collection method: clinical testing. Allele origin: germline.
Comment: In summary, the available evidence is currently insufficient to determine the role of this variant in disease. Therefore, it has been classified as a Variant of Uncertain Significance. This sequence change replaces glycine with aspartic acid at codon 263 of the CHRNB2 protein (p.Gly263Asp). The glycine residue is highly conserved and there is a moderate physicochemical difference between glycine and aspartic acid. This variant is present in population databases (rs373676452, ExAC 0.001%). This variant has not been reported in the literature in individuals with CHRNB2-related disease. Algorithms developed to predict the effect of missense changes on protein structure and function (SIFT, PolyPhen-2, Align-GVGD) all suggest that this variant is likely to be disruptive, but these predictions have not been confirmed by published functional studies and their clinical significance is uncertain.

Literature cited by the submitters: PubMed 31440721 (cited by Ambry Genetics); PubMed 39363051 (cited by Ambry Genetics).